The following is an entry in ClinVar:

ClinVar aggregate classification (germline): Uncertain significance (1 of 4 stars; one submission).

Conditions:
Hereditary cancer-predisposing syndrome. Also called: Neoplastic Syndromes, Hereditary; Tumor predisposition; Hereditary Cancer Syndrome; Hereditary neoplastic syndrome. Identifiers: Orphanet 140162, MedGen C0027672, MeSH D009386, MONDO:0015356.

Submission:

Ambry Genetics
Classification: Uncertain significance for Hereditary cancer-predisposing syndrome. Last evaluated: 2025-09-17. Review status: criteria provided, single submitter. Criteria: Ambry Variant Classification Scheme 2023. Collection method: clinical testing. Allele origin: germline.
Comment: The p.E1144V variant (also known as c.3431A>T), located in coding exon 19 of the BRIP1 gene, results from an A to T substitution at nucleotide position 3431. The glutamic acid at codon 1144 is replaced by valine, an amino acid with dissimilar properties. This amino acid position is conserved. In addition, this alteration is predicted to be tolerated by in silico analysis. Based on the available evidence, the clinical significance of this variant remains unclear.

NM_032043.3(BRIP1):c.3431A>T (p.Glu1144Val)

Gene: BRIP1 (BRCA1 interacting DNA helicase 1; minus strand). Cytogenetic location: 17q23.2.
Variant type: single nucleotide variant.
Coding change: c.3431A>T on transcript NM_032043.3 (MANE Select); coding-DNA position 3431, A replaced by T.
Protein change: p.Glu1144Val; replaces glutamic acid 1144 with valine.
Molecular consequence: missense variant.
Genome position (GRCh38, 1-based): chr17:61,683,615, T>A on the plus strand (A>T on the coding strand, the complement: BRIP1 is on the minus strand). VCF-style: chr17-61683615-T-A. GRCh37 (hg19) VCF-style: chr17-59760976-T-A.
Other names: short protein forms E1144V.
Identifiers: ClinVar variation 4630765 (VCV004630765.1).